The following is an entry in ClinVar:

ClinVar aggregate classification (germline): Pathogenic (1 of 4 stars; one submission).

Conditions:
Primary ciliary dyskinesia 16. Also called: CILIARY DYSKINESIA, PRIMARY, 16, WITH OR WITHOUT SITUS INVERSUS. Identifiers: Orphanet 244, MedGen C3151460, MONDO:0013525, OMIM 614017.

Submission:

Labcorp Genetics (formerly Invitae), Labcorp
Classification: Pathogenic for Primary ciliary dyskinesia 16. Last evaluated: 2023-07-07. Review status: criteria provided, single submitter. Criteria: Invitae Variant Classification Sherloc (09022015). Collection method: clinical testing. Allele origin: germline.
Comment: This variant is not present in population databases (gnomAD no frequency). This sequence change creates a premature translational stop signal (p.Asp129Thrfs*6) in the DNAL1 gene. It is expected to result in an absent or disrupted protein product. Loss-of-function variants in DNAL1 are known to be pathogenic (PMID: 21496787). For these reasons, this variant has been classified as Pathogenic. ClinVar contains an entry for this variant (Variation ID: 406536). This variant has not been reported in the literature in individuals affected with DNAL1-related conditions.

Literature cited by the submitters: PubMed 21496787.

NM_031427.4(DNAL1):c.384del (p.Asp129fs)

Gene: DNAL1 (dynein axonemal light chain 1; plus strand). Cytogenetic location: 14q24.3.
Variant type: Deletion.
Coding change: c.384del on transcript NM_031427.4 (MANE Select); coding-DNA position 384, one base deleted (A; older notation c.384delA).
Protein change: p.Asp129fs; shifts the reading frame from aspartic acid 129.
Molecular consequence: frameshift variant.
Genome position (GRCh38, 1-based): chr14:73,687,378, A deleted; the last of 4 consecutive A bases (chr14:73,687,375-73,687,378); deleting any one gives the same sequence. VCF-style (leftmost placement, unchanged base first): chr14-73687374-TA-T. GRCh37 (hg19) VCF-style: chr14-74154077-TA-T.
Other names: c.267del, p.Asp90fs (NM_001201366.2); short protein forms D90fs, D129fs.
Identifiers: ClinVar variation 406536 (VCV000406536.8), dbSNP rs1060501178, ClinGen allele CA16614136.